The following is an entry in ClinVar:

NM_001164586.2(IGFN1):c.5388T>C (p.Ser1796=)

Gene: IGFN1 (immunoglobulin like and fibronectin type III domain containing 1; plus strand). Cytogenetic location: 1q32.1.
Variant type: single nucleotide variant.
Coding change: c.5388T>C on transcript NM_001164586.2 (MANE Select); coding-DNA position 5388, T replaced by C.
Protein change: p.Ser1796=; no amino-acid change (serine 1796 retained).
Molecular consequence: synonymous variant. On other transcripts: intron variant (1).
Genome position (GRCh38, 1-based): chr1:201,210,281, T>C. VCF-style: chr1-201210281-T-C. GRCh37 (hg19) VCF-style: chr1-201179409-T-C.
Other names: c.1242-3225T>C (NM_001367841.1).
Identifiers: ClinVar variation 3389381 (VCV003389381.14).

ClinVar aggregate classification (germline): Likely benign (1 of 4 stars; one submission).

Submission:

CeGaT Center for Human Genetics Tuebingen
Classification: Likely benign. Last evaluated: 2024-10-01. Review status: criteria provided, single submitter. Criteria: CeGaT Center For Human Genetics Tuebingen Variant Classification Criteria Version 2. Collection method: clinical testing. Allele origin: germline. Affected: yes. Observed: 1 variant allele.
Comment: IGFN1: BP4, BP7